The following is an entry in ClinVar:

ClinVar aggregate classification (germline): Pathogenic (1 of 4 stars; one submission).

Conditions:
Spastic paraplegia. Identifiers: MedGen C0037772, HP:0001258.

Submission:

Labcorp Genetics (formerly Invitae), Labcorp
Classification: Pathogenic for Spastic paraplegia. Last evaluated: 2023-05-27. Review status: criteria provided, single submitter. Criteria: Invitae Variant Classification Sherloc (09022015). Collection method: clinical testing. Allele origin: germline.
Comment: For these reasons, this variant has been classified as Pathogenic. This variant has not been reported in the literature in individuals affected with ZFYVE26-related conditions. This variant is not present in population databases (gnomAD no frequency). This sequence change creates a premature translational stop signal (p.Ser714Thrfs*30) in the ZFYVE26 gene. It is expected to result in an absent or disrupted protein product. Loss-of-function variants in ZFYVE26 are known to be pathogenic (PMID: 18394578, 19805727).

Literature cited by the submitters: PubMed 18394578; PubMed 19805727.

NM_015346.4(ZFYVE26):c.2141del (p.Ser714fs)

Gene: ZFYVE26 (zinc finger FYVE-type containing 26; minus strand). Cytogenetic location: 14q24.1.
Variant type: Deletion.
Coding change: c.2141del on transcript NM_015346.4 (MANE Select); coding-DNA position 2141, one base deleted (G; older notation c.2141delG).
Protein change: p.Ser714fs; shifts the reading frame from serine 714.
Molecular consequence: frameshift variant.
Genome position (GRCh38, 1-based): chr14:67,798,121, C deleted on the plus strand (G on the coding strand, the reverse complement: ZFYVE26 is on the minus strand). VCF-style (leftmost placement, unchanged base first): chr14-67798120-GC-G. GRCh37 (hg19) VCF-style: chr14-68264837-GC-G.
Other names: short protein forms S714fs.
Identifiers: ClinVar variation 2744025 (VCV002744025.3), dbSNP rs2502856099, ClinGen allele CA2697554006.